The following is an entry in ClinVar:

NM_001329943.3(KIAA0586):c.2553G>A (p.Lys851=)

Gene: KIAA0586 (KIAA0586; plus strand). Cytogenetic location: 14q23.1.
Variant type: single nucleotide variant.
Coding change: c.2553G>A on transcript NM_001329943.3 (MANE Select); coding-DNA position 2553, G replaced by A.
Protein change: p.Lys851=; no amino-acid change (lysine 851 retained).
Molecular consequence: synonymous variant.
Genome position (GRCh38, 1-based): chr14:58,470,723, G>A. VCF-style: chr14-58470723-G-A. GRCh37 (hg19) VCF-style: chr14-58937441-G-A.
Other names: c.2712G>A, p.Lys904= (NM_001244189.2); c.2508G>A, p.Lys836= (NM_001244190.2); c.2298G>A, p.Lys766= (NM_001244191.2, NM_001329945.2, NM_001364700.1 and 1 more transcripts); c.2421G>A, p.Lys807= (NM_001244192.2); c.2133G>A, p.Lys711= (NM_001244193.2); c.2553G>A, p.Lys851= (NM_001329944.2, NM_001329946.2, NM_001329947.2); c.2325G>A, p.Lys775= (NM_014749.5).
Identifiers: ClinVar variation 846408 (VCV000846408.5), dbSNP rs1024217852, ClinGen allele CA261639179.
Genomic context (GRCh38, chr14:58,470,723, plus strand): 5'-CCTTTCACCTCTGTCTAGCCCCAAAGAAGCATCTCTTCCTCCTGTGCAAACTTGGATAAA[G>A]GTATATTTCAGAATTTTATCATATTATTTTGAGTAATGTCTGACTGTAGATTTTAACTAA-3'
Protein context (NP_001316872.1, residues 841-861): ASLPPVQTWI[Lys851=]TPEIMKVDEE

ClinVar aggregate classification (germline): Uncertain significance (1 of 4 stars; one submission).

Conditions:
Joubert syndrome 23 (JBTS23). Identifiers: Orphanet 475, MedGen C4084822, MONDO:0014664, OMIM 616490.
Short-rib thoracic dysplasia 14 with polydactyly (SRTD14). Identifiers: Orphanet 397715, MedGen C4225286, MONDO:0014688, OMIM 616546.

Allele frequency attached by ClinVar (database versions not stated): gnomAD exomes below 0.00001.
gnomAD v4.1: 8 of 1,477,302 alleles (0.00054%); highest among the groups gnomAD compares: Non-Finnish European, 0.00019%; no homozygotes.

Submission:

Labcorp Genetics (formerly Invitae), Labcorp
Classification: Uncertain significance for Joubert syndrome 23; Short-rib thoracic dysplasia 14 with polydactyly. Last evaluated: 2020-02-10. Review status: criteria provided, single submitter. Criteria: Invitae Variant Classification Sherloc (09022015). Collection method: clinical testing. Allele origin: germline.
Comment: This sequence change affects codon 904 of the KIAA0586 mRNA. It is a 'silent' change, meaning that it does not change the encoded amino acid sequence of the KIAA0586 protein. This variant also falls at the last nucleotide of exon 19 of the KIAA0586 coding sequence, which is part of the consensus splice site for this exon. This variant is not present in population databases (ExAC no frequency). This variant has not been reported in the literature in individuals with KIAA0586-related conditions. Nucleotide substitutions within the consensus splice site are a relatively common cause of aberrant splicing (PMID: 17576681, 9536098). Algorithms developed to predict the effect of sequence changes on RNA splicing suggest that this variant may disrupt the consensus splice site, but this prediction has not been confirmed by published transcriptional studies. In summary, the available evidence is currently insufficient to determine the role of this variant in disease. Therefore, it has been classified as a Variant of Uncertain Significance.

Literature cited by the submitters: PubMed 17576681; PubMed 9536098.